The following is an entry in ClinVar:

NM_001367624.2(ZNF469):c.5145G>A (p.Arg1715=)

Gene: ZNF469 (zinc finger protein 469; plus strand). Cytogenetic location: 16q24.2.
Variant type: single nucleotide variant.
Coding change: c.5145G>A on transcript NM_001367624.2 (MANE Select); coding-DNA position 5145, G replaced by A.
Protein change: p.Arg1715=; no amino-acid change (arginine 1715 retained).
Molecular consequence: synonymous variant.
Genome position (GRCh38, 1-based): chr16:88,432,615, G>A. VCF-style: chr16-88432615-G-A. GRCh37 (hg19) VCF-style: chr16-88499023-G-A.
Other names: NM_001127464.1:c.5061G>A; p.Arg1715=.
Identifiers: ClinVar variation 320937 (VCV000320937.56), dbSNP rs577775261, ClinGen allele CA8225046.

ClinVar aggregate classification (germline): Likely benign. Review status: criteria provided, multiple submitters, no conflicts (2 of 4 stars). 7 submissions from 7 submitters: Likely benign (7). Last evaluated 2026-01-11.

Conditions:
Cardiovascular phenotype. Identifiers: MedGen CN230736.

Allele frequency attached by ClinVar (database versions not stated): ExAC 0.00005; gnomAD 0.00009; TOPMed 0.00009; 1000 Genomes Project 30x 0.00016; 1000 Genomes Project 0.00020.
gnomAD v4.1: 135 of 1,550,326 alleles (0.0087%); highest among the groups gnomAD compares: Non-Finnish European, 0.01%; no homozygotes.

Submissions (7):

Labcorp Genetics (formerly Invitae), Labcorp
Classification: Likely benign. Last evaluated: 2026-01-11. Review status: criteria provided, single submitter. Criteria: Invitae Variant Classification Sherloc (09022015). Collection method: clinical testing. Allele origin: germline.

Women's Health and Genetics/Laboratory Corporation of America, LabCorp
Classification: Likely benign. Last evaluated: 2025-07-23. Review status: criteria provided, single submitter. Criteria: LabCorp Variant Classification Summary - May 2015. Collection method: clinical testing. Allele origin: germline.

Mayo Clinic Laboratories, Mayo Clinic
Classification: Likely benign. Last evaluated: 2025-02-21. Review status: criteria provided, single submitter. Criteria: ACMG Guidelines, 2015. Collection method: clinical testing. Allele origin: germline. Observed: 2 variant alleles.
Comment: BP4, BP7

Blueprint Genetics
Classification: Likely benign. Last evaluated: 2024-11-06. Review status: criteria provided, single submitter. Criteria: ACMG Guidelines, 2015. Collection method: clinical testing. Allele origin: germline.

CeGaT Center for Human Genetics Tuebingen
Classification: Likely benign. Last evaluated: 2022-04-01. Review status: criteria provided, single submitter. Criteria: CeGaT Center For Human Genetics Tuebingen Variant Classification Criteria Version 2. Collection method: clinical testing. Allele origin: germline. Affected: yes. Observed: 2 variant alleles.
Comment: ZNF469: BP4, BP7

GeneDx
Classification: Likely benign. Last evaluated: 2020-12-24. Review status: criteria provided, single submitter. Criteria: GeneDx Variant Classification Process June 2021. Collection method: clinical testing. Allele origin: germline. Affected: yes.

Ambry Genetics
Classification: Likely benign for Cardiovascular phenotype. Last evaluated: 2019-03-04. Review status: criteria provided, single submitter. Criteria: Ambry Variant Classification Scheme 2023. Collection method: clinical testing. Allele origin: germline.